The following is an entry in ClinVar:

ClinVar aggregate classification (germline): Uncertain significance. Review status: criteria provided, multiple submitters, no conflicts (2 of 4 stars). 4 submissions from 4 submitters: Uncertain significance (4). Last evaluated 2024-06-26.

Conditions:
Malignant hyperthermia, susceptibility to, 1 (MHS1). Also called: RYR1-Related Malignant Hyperthermia Susceptibility; Anesthesia related hyperthermia; Malignant hyperpyrexia; Fulminating hyperpyrexia; Pharmacogenic myopathy; Malignant hyperthermia suceptibility 1. Identifiers: Orphanet 423, MedGen C2930980, MONDO:0007783, OMIM 145600.
RYR1-related disorder. Also called: RYR1-related condition; RYR1-related disorders. Identifiers: MedGen CN239331.
Inborn genetic diseases. Identifiers: MedGen C0950123, MeSH D030342.

Allele frequency attached by ClinVar (database versions not stated): gnomAD exomes 0.00001; gnomAD 0.00003; TOPMed 0.00003.
gnomAD v4.1: 21 of 1,550,548 alleles (0.0014%); highest among the groups gnomAD compares: Admixed American, 0.0078%; no homozygotes.

Submissions (4):

Labcorp Genetics (formerly Invitae), Labcorp
Classification: Uncertain significance for RYR1-related disorder. Last evaluated: 2024-06-26. Review status: criteria provided, single submitter. Criteria: Invitae Variant Classification Sherloc (09022015). Collection method: clinical testing. Allele origin: germline.
Comment: This sequence change replaces glycine, which is neutral and non-polar, with arginine, which is basic and polar, at codon 1358 of the RYR1 protein (p.Gly1358Arg). The frequency data for this variant in the population databases is considered unreliable, as metrics indicate poor data quality at this position in the gnomAD database. This variant has not been reported in the literature in individuals affected with RYR1-related conditions. ClinVar contains an entry for this variant (Variation ID: 1523848). Advanced modeling of protein sequence and biophysical properties (such as structural, functional, and spatial information, amino acid conservation, physicochemical variation, residue mobility, and thermodynamic stability) performed at Invitae indicates that this missense variant is not expected to disrupt RYR1 protein function with a negative predictive value of 95%. In summary, the available evidence is currently insufficient to determine the role of this variant in disease. Therefore, it has been classified as a Variant of Uncertain Significance.

Color Diagnostics, LLC DBA Color Health
Classification: Uncertain significance for Malignant hyperthermia, susceptibility to, 1. Last evaluated: 2024-05-28. Review status: criteria provided, single submitter. Criteria: ACMG Guidelines, 2015. Collection method: clinical testing. Allele origin: germline.
Comment: This missense variant replaces glycine with arginine at codon 1358 of the RYR1 protein. Computational prediction suggests that this variant may not impact protein structure and function. To our knowledge, functional studies have not been reported for this variant. This variant has not been reported in individuals affected with RYR1-related disorders in the literature. This variant has been identified in 2/144166 chromosomes in the general population by the Genome Aggregation Database (gnomAD). The available evidence is insufficient to determine the role of this variant in disease conclusively. Therefore, this variant is classified as a Variant of Uncertain Significance.

Ambry Genetics
Classification: Uncertain significance for Inborn genetic diseases. Last evaluated: 2021-07-14. Review status: criteria provided, single submitter. Criteria: Ambry Variant Classification Scheme 2023. Collection method: clinical testing. Allele origin: germline.

Revvity Omics, Revvity
Classification: Uncertain significance. Last evaluated: 2020-03-17. Review status: criteria provided, single submitter. Criteria: ACMG Guidelines, 2015. Collection method: clinical testing. Allele origin: germline.

NM_000540.3(RYR1):c.4072G>A (p.Gly1358Arg)

Gene: RYR1 (ryanodine receptor 1; plus strand). Cytogenetic location: 19q13.2.
Variant type: single nucleotide variant.
Coding change: c.4072G>A on transcript NM_000540.3 (MANE Select); coding-DNA position 4072, G replaced by A.
Protein change: p.Gly1358Arg; replaces glycine 1358 with arginine.
Molecular consequence: missense variant.
Genome position (GRCh38, 1-based): chr19:38,473,683, G>A. VCF-style: chr19-38473683-G-A. GRCh37 (hg19) VCF-style: chr19-38964323-G-A.
Other names: c.4072G>A, p.Gly1358Arg (NM_001042723.2); c.4072G>A (NM_000540.2); short protein forms G1358R.
Identifiers: ClinVar variation 1523848 (VCV001523848.10), dbSNP rs868508791, ClinGen allele CA308079801.